The following is an entry in ClinVar:

NM_013266.4(CTNNA3):c.214A>G (p.Lys72Glu)

Gene: CTNNA3 (catenin alpha 3; minus strand). Cytogenetic location: 10q21.3.
Variant type: single nucleotide variant.
Coding change: c.214A>G on transcript NM_013266.4 (MANE Select); coding-DNA position 214, A replaced by G.
Protein change: p.Lys72Glu; replaces lysine 72 with glutamic acid.
Molecular consequence: missense variant.
Genome position (GRCh38, 1-based): chr10:67,606,935, T>C on the plus strand (A>G on the coding strand, the complement: CTNNA3 is on the minus strand). VCF-style: chr10-67606935-T-C. GRCh37 (hg19) VCF-style: chr10-69366693-T-C.
Other names: c.214A>G, p.Lys72Glu (NM_001127384.3); c.250A>G, p.Lys84Glu (NM_001291133.2); short protein forms K72E, K84E.
Identifiers: ClinVar variation 1062731 (VCV001062731.7), dbSNP rs371997421, ClinGen allele CA209142884.
Genomic context (GRCh38, chr10:67,606,935, plus strand): 5'-CAAGTGAAGCCGTAAGCTCATCCTTTAAAACTGTAGCTTCCTGGGCAATCTTCTCTCCCT[T>C]GTCTAATAAATTCCAAGTTGCTTCCTCCACAGAAGCTAGAAGGACACTGGCTCTTTTCGA-3'
Protein context (NP_037398.2, residues 62-82): VEEATWNLLD[Lys72Glu]GEKIAQEATV

ClinVar aggregate classification (germline): Uncertain significance (1 of 4 stars; one submission).

Conditions:
Arrhythmogenic right ventricular dysplasia 13. Also called: ARRHYTHMOGENIC RIGHT VENTRICULAR CARDIOMYOPATHY 13; Arrhythmogenic right ventricular dysplasia, familial, 13. Identifiers: MedGen C3810138, MONDO:0000908, OMIM 615616.

Allele frequency attached by ClinVar (database versions not stated): gnomAD 0.00001; gnomAD exomes 0.00001; TOPMed 0.00003; ESP Exome Variant Server 0.00008.
gnomAD v4.1: 13 of 1,613,982 alleles (0.00081%); highest among the groups gnomAD compares: African/African-American, 0.0027%; no homozygotes.

Submission:

Labcorp Genetics (formerly Invitae), Labcorp
Classification: Uncertain significance for Arrhythmogenic right ventricular dysplasia 13. Last evaluated: 2023-08-30. Review status: criteria provided, single submitter. Criteria: Invitae Variant Classification Sherloc (09022015). Collection method: clinical testing. Allele origin: germline.
Comment: In summary, the available evidence is currently insufficient to determine the role of this variant in disease. Therefore, it has been classified as a Variant of Uncertain Significance. Advanced modeling of protein sequence and biophysical properties (such as structural, functional, and spatial information, amino acid conservation, physicochemical variation, residue mobility, and thermodynamic stability) performed at Invitae indicates that this missense variant is not expected to disrupt CTNNA3 protein function. ClinVar contains an entry for this variant (Variation ID: 1062731). This variant has not been reported in the literature in individuals affected with CTNNA3-related conditions. This variant is present in population databases (rs371997421, gnomAD 0.003%). This sequence change replaces lysine, which is basic and polar, with glutamic acid, which is acidic and polar, at codon 72 of the CTNNA3 protein (p.Lys72Glu).